The following is an entry in ClinVar:

ClinVar aggregate classification (germline): Benign/Likely benign. Review status: criteria provided, multiple submitters, no conflicts (2 of 4 stars). 7 submissions from 7 submitters: Benign (1); Likely benign (5). 1 of the submissions does not count toward it. Last evaluated 2025-12-23.

Conditions:
Achondrogenesis, type IA (ACG1A). Identifiers: Orphanet 932, Orphanet 93299, MedGen C0265273, MONDO:0008701, OMIM 200600.
Connective tissue disorder. Also called: Connective tissue disease. Identifiers: MedGen C0009782, MONDO:0003900.
TRIP11-related disorder. Also called: TRIP11-related condition; TRIP11-Related Disorders.

Allele frequency attached by ClinVar (database versions not stated): gnomAD exomes 0.00046; ExAC 0.00055; gnomAD 0.00152 and 0.00167; TOPMed 0.00179; 1000 Genomes Project 0.00200; ESP Exome Variant Server 0.00200; 1000 Genomes Project 30x 0.00219.
gnomAD v4.1: 490 of 1,613,694 alleles (0.03%); highest among the groups gnomAD compares: African/African-American, 0.55%; 5 homozygotes.

Submissions (7):

Labcorp Genetics (formerly Invitae), Labcorp
Classification: Benign for Achondrogenesis, type IA. Last evaluated: 2025-12-23. Review status: criteria provided, single submitter. Criteria: Invitae Variant Classification Sherloc (09022015). Collection method: clinical testing. Allele origin: germline.

ARUP Laboratories, Molecular Genetics and Genomics, ARUP Laboratories
Classification: Likely benign. Last evaluated: 2024-03-28. Review status: criteria provided, single submitter. Criteria: ARUP Molecular Germline Variant Investigation Process 2024. Collection method: clinical testing. Allele origin: germline.

GeneDx
Classification: Likely benign. Last evaluated: 2020-10-23. Review status: criteria provided, single submitter. Criteria: GeneDx Variant Classification Process June 2021. Collection method: clinical testing. Allele origin: germline. Affected: yes.

Genome Diagnostics Laboratory, The Hospital for Sick Children
Classification: Likely benign for Connective tissue disorder. Last evaluated: 2019-07-01. Review status: criteria provided, single submitter. Criteria: ACMG Guidelines, 2015. Collection method: clinical testing. Allele origin: germline.

Illumina Laboratory Services, Illumina
Classification: Likely benign for Achondrogenesis, type IA. Last evaluated: 2018-01-13. Review status: criteria provided, single submitter. Criteria: ICSL Variant Classification Criteria 13 December 2019. Collection method: clinical testing. Allele origin: germline.
Comment: This variant was observed in the ICSL laboratory as part of a predisposition screen in an ostensibly healthy population. It had not been previously curated by ICSL or reported in the Human Gene Mutation Database (HGMD: prior to June 1st, 2018), and was therefore a candidate for classification through an automated scoring system. Utilizing variant allele frequency, disease prevalence and penetrance estimates, and inheritance mode, an automated score was calculated to assess if this variant is too frequent to cause the disease. Based on the score and internal cut-off values, a variant classified as likely benign is not then subjected to further curation. The score for this variant resulted in a classification of likely benign for this disease.

Breakthrough Genomics
Classification: Likely benign. Review status: criteria provided, single submitter. Criteria: ACMG Guidelines, 2015. Collection method: not provided. Allele origin: germline. Inheritance: Autosomal recessive inheritance. Affected: yes.

PreventionGenetics, part of Exact Sciences
Classification: Likely benign for TRIP11-related condition. Last evaluated: 2019-11-25. Review status: no assertion criteria provided. Collection method: clinical testing. Allele origin: germline. Not counted in ClinVar's aggregate classification.
Comment: This variant is classified as likely benign based on ACMG/AMP sequence variant interpretation guidelines (Richards et al. 2015 PMID: 25741868, with internal and published modifications).

NM_004239.4(TRIP11):c.5125G>A (p.Ala1709Thr)

Gene: TRIP11 (thyroid hormone receptor interactor 11; minus strand). Cytogenetic location: 14q32.12.
Variant type: single nucleotide variant.
Coding change: c.5125G>A on transcript NM_004239.4 (MANE Select); coding-DNA position 5125, G replaced by A.
Protein change: p.Ala1709Thr; replaces alanine 1709 with threonine.
Molecular consequence: missense variant.
Genome position (GRCh38, 1-based): chr14:91,993,844, C>T on the plus strand (G>A on the coding strand, the complement: TRIP11 is on the minus strand). VCF-style: chr14-91993844-C-T. GRCh37 (hg19) VCF-style: chr14-92460188-C-T.
Other names: c.5122G>A, p.Ala1708Thr (NM_001321851.1); short protein forms A1709T, A1708T.
Identifiers: ClinVar variation 682598 (VCV000682598.20), dbSNP rs141965887, ClinGen allele CA7313276.
Genomic context (GRCh38, chr14:91,993,844, plus strand): 5'-ACAAGAGAAAACTATTTTGTCCTACCTGTAATGATATCACTTTTCCTTCCAGATTTTCTG[C>T]GTTTTTCTTCCATTCAGCTATAAGCTGTTTTTGCTTTTCGAGTTCAGCAGAATACATAGC-3'
Protein context (NP_004230.2, residues 1699-1719): KQLIAEWKKN[Ala1709Thr]ENLEGKVISL